The following is an entry in ClinVar:

ClinVar aggregate classification (germline): Conflicting classifications of pathogenicity. Review status: criteria provided, conflicting classifications (1 of 4 stars). 2 submissions from 2 submitters: Uncertain significance (1); Likely benign (1). Last evaluated 2023-11-21.

Conditions:
Cardiovascular phenotype. Identifiers: MedGen CN230736.
Dilated cardiomyopathy 1KK (CMD1KK). Identifiers: Orphanet 154, Orphanet 75249, MedGen C3714995, MONDO:0014100, OMIM 615248.

Allele frequency attached by ClinVar (database versions not stated): gnomAD 0.00003; TOPMed 0.00003.
gnomAD v4.1: 15 of 1,613,970 alleles (0.00093%); highest among the groups gnomAD compares: East Asian, 0.0067%; no homozygotes.

Submissions (2):

Labcorp Genetics (formerly Invitae), Labcorp
Classification: Uncertain significance for Dilated cardiomyopathy 1KK. Last evaluated: 2023-11-21. Review status: criteria provided, single submitter. Criteria: Invitae Variant Classification Sherloc (09022015). Collection method: clinical testing. Allele origin: germline.
Comment: This sequence change replaces arginine, which is basic and polar, with histidine, which is basic and polar, at codon 810 of the MYPN protein (p.Arg810His). This variant is present in population databases (no rsID available, gnomAD 0.01%). This variant has not been reported in the literature in individuals affected with MYPN-related conditions. ClinVar contains an entry for this variant (Variation ID: 648103). Algorithms developed to predict the effect of missense changes on protein structure and function output the following: SIFT: "Not Available"; PolyPhen-2: "Benign"; Align-GVGD: "Not Available". The histidine amino acid residue is found in multiple mammalian species, which suggests that this missense change does not adversely affect protein function. In summary, the available evidence is currently insufficient to determine the role of this variant in disease. Therefore, it has been classified as a Variant of Uncertain Significance.

Ambry Genetics
Classification: Likely benign for Cardiovascular phenotype. Last evaluated: 2023-03-16. Review status: criteria provided, single submitter. Criteria: Ambry Variant Classification Scheme 2023. Collection method: clinical testing. Allele origin: germline.

NM_032578.4(MYPN):c.2429G>A (p.Arg810His)

Gene: MYPN (myopalladin; plus strand). Cytogenetic location: 10q21.3.
Variant type: single nucleotide variant.
Coding change: c.2429G>A on transcript NM_032578.4 (MANE Select); coding-DNA position 2429, G replaced by A.
Protein change: p.Arg810His; replaces arginine 810 with histidine.
Molecular consequence: missense variant. On other transcripts: non-coding transcript variant (2).
Genome position (GRCh38, 1-based): chr10:68,174,521, G>A. VCF-style: chr10-68174521-G-A. GRCh37 (hg19) VCF-style: chr10-69934278-G-A.
Other names: c.2429G>A, p.Arg810His (NM_001256267.2); c.1547G>A, p.Arg516His (NM_001256268.2); c.2429G>A (NM_032578.2); short protein forms R516H, R810H.
Identifiers: ClinVar variation 648103 (VCV000648103.8), dbSNP rs1021994218, ClinGen allele CA208204416.